The following is an entry in ClinVar:

ClinVar aggregate classification (germline): Uncertain significance (1 of 4 stars; one submission).

gnomAD v4.1: 1 of 1,613,954 alleles (0.000062%); highest among the groups gnomAD compares: African/African-American, 0.0013%; no homozygotes.

Submission:

Labcorp Genetics (formerly Invitae), Labcorp
Classification: Uncertain significance. Last evaluated: 2024-04-29. Review status: criteria provided, single submitter. Criteria: Invitae Variant Classification Sherloc (09022015). Collection method: clinical testing. Allele origin: germline.
Comment: This sequence change replaces lysine, which is basic and polar, with arginine, which is basic and polar, at codon 329 of the IMPG1 protein (p.Lys329Arg). This variant is not present in population databases (gnomAD no frequency). This variant has not been reported in the literature in individuals affected with IMPG1-related conditions. An algorithm developed to predict the effect of missense changes on protein structure and function (PolyPhen-2) suggests that this variant is likely to be disruptive. Algorithms developed to predict the effect of sequence changes on RNA splicing suggest that this variant may disrupt the consensus splice site. In summary, the available evidence is currently insufficient to determine the role of this variant in disease. Therefore, it has been classified as a Variant of Uncertain Significance.

NM_001563.4(IMPG1):c.986A>G (p.Lys329Arg)

Gene: IMPG1 (interphotoreceptor matrix proteoglycan 1; minus strand). Cytogenetic location: 6q14.1.
Variant type: single nucleotide variant.
Coding change: c.986A>G on transcript NM_001563.4 (MANE Select); coding-DNA position 986, A replaced by G.
Protein change: p.Lys329Arg; replaces lysine 329 with arginine.
Molecular consequence: missense variant.
Genome position (GRCh38, 1-based): chr6:76,005,436, T>C on the plus strand (A>G on the coding strand, the complement: IMPG1 is on the minus strand). VCF-style: chr6-76005436-T-C. GRCh37 (hg19) VCF-style: chr6-76715153-T-C.
Other names: c.752A>G, p.Lys251Arg (NM_001282368.2); short protein forms K329R, K251R.
Identifiers: ClinVar variation 3651584 (VCV003651584.2).